The following is an entry in ClinVar:

NM_002900.3(RBP3):c.1682_1686dup (p.Thr563fs)

Gene: RBP3 (retinol binding protein 3; plus strand). Cytogenetic location: 10q11.22.
Variant type: Duplication.
Coding change: c.1682_1686dup on transcript NM_002900.3 (MANE Select); coding-DNA positions 1682 to 1686, 5 bases duplicated (GGGCC; older notation c.1682_1686dupGGGCC).
Protein change: p.Thr563fs; shifts the reading frame from threonine 563.
Molecular consequence: frameshift variant.
Genome position (GRCh38, 1-based): chr10:47,350,166-47,350,170, GGGCC duplicated. VCF-style (leftmost placement, unchanged base first): chr10-47350165-T-TGGGCC. GRCh37 (hg19) VCF-style: chr10-48389191-T-TGGCCC.
Other names: short protein forms T563fs.
Identifiers: ClinVar variation 1065743 (VCV001065743.10), dbSNP rs1555211286, ClinGen allele CA593487652.

ClinVar aggregate classification (germline): Pathogenic/Likely pathogenic. Review status: criteria provided, multiple submitters, no conflicts (2 of 4 stars). 5 submissions from 5 submitters: Pathogenic (3); Likely pathogenic (2). Last evaluated 2026-08-06.

Conditions:
Retinitis pigmentosa 66 (RP66). Identifiers: Orphanet 791, MedGen C3715216, MONDO:0014093, OMIM 615233.
RBP3-related disorder. Also called: RBP3-related condition.

Allele frequency attached by ClinVar (database versions not stated): gnomAD 0.00001.

Submissions (5):

OLLIN Analises Genomicas, OLLIN
Classification: Likely pathogenic for Retinitis pigmentosa 66. Last evaluated: 2026-08-06. Review status: criteria provided, single submitter. Criteria: ACMG Guidelines 2015 PMID 25741868. Collection method: clinical testing. Allele origin: germline. Inheritance: Autosomal recessive inheritance.
Comment: This frameshift variant, located in exon 1 (of 4), has been reported in ClinVar (accession VCV001065743.8) and in gnomAD with an allele frequency of 0.000062%. However, to our knowledge, it has not been reported in the scientific literature. This variant causes a frameshift and introduces a premature stop codon, which is predicted to result in either a truncated protein or degradation of the mRNA via nonsense-mediated decay (NMD). According to the currently available evidence, this variant has been classified as likely pathogenic (PVS1_S, PM2_P, PM3_P).

Labcorp Genetics (formerly Invitae), Labcorp
Classification: Pathogenic. Last evaluated: 2025-04-16. Review status: criteria provided, single submitter. Criteria: Invitae Variant Classification Sherloc (09022015). Collection method: clinical testing. Allele origin: germline.
Comment: This sequence change creates a premature translational stop signal (p.Thr563Glyfs*5) in the RBP3 gene. It is expected to result in an absent or disrupted protein product. Loss-of-function variants in RBP3 are known to be pathogenic (PMID: 9614228, 23105016, 25766589). This variant is present in population databases (no rsID available, gnomAD 0.007%). This variant has not been reported in the literature in individuals affected with RBP3-related conditions. ClinVar contains an entry for this variant (Variation ID: 1065743). For these reasons, this variant has been classified as Pathogenic.

Blueprint Genetics
Classification: Pathogenic for RBP3-related disorders. Last evaluated: 2022-03-14. Review status: criteria provided, single submitter. Criteria: ACMG Guidelines, 2015. Collection method: clinical testing. Allele origin: germline. Affected: yes. Observed: 3 variant alleles.

3billion
Classification: Pathogenic for Retinitis pigmentosa 66. Last evaluated: 2022-01-03. Review status: criteria provided, single submitter. Criteria: ACMG Guidelines, 2015. Collection method: clinical testing. Allele origin: germline. Affected: yes. Observed: 1 homozygote.
Comment: Frameshift: predicted to result in a loss or disruption of normal protein function through nonsense-mediated decay (NMD) or protein truncation. Multiple pathogenic variants are reported downstream of the variant (PVS1_VS). It is observed at an extremely low frequency in the gnomAD v2.1.1 dataset (total allele frequency: 0.000032, PM2_M). The variant has been reported to be associated with RBP3 related disorder (ClinVar ID: VCV001065743). Therefore, this variant is classified as pathogenic according to the recommendation of ACMG/AMP guideline.

Ocular Genomics Institute, Massachusetts Eye and Ear
Classification: Likely pathogenic for Retinitis pigmentosa 66. Last evaluated: 2021-04-08. Review status: criteria provided, single submitter. Criteria: ACMG Guidelines, 2015. Collection method: research. Allele origin: germline. Affected: yes.
Comment: Through a review of available evidence we were able to apply the following criteria: PVS1, PM2. Based on this evidence we have classified this variant as Likely Pathogenic.

Literature cited by the submitters: PubMed 9614228 (cited by Labcorp Genetics (formerly Invitae), Labcorp); PubMed 23105016 (cited by Labcorp Genetics (formerly Invitae), Labcorp); PubMed 25766589 (cited by Labcorp Genetics (formerly Invitae), Labcorp).